The following is an entry in ClinVar:

NM_000264.5(PTCH1):c.201+3G>A

Gene: PTCH1 (patched 1; minus strand). Cytogenetic location: 9q22.32.
Variant type: single nucleotide variant.
Coding change: c.201+3G>A on transcript NM_000264.5 (MANE Select); 3 bases into the intron after coding-DNA position 201, G replaced by A.
Molecular consequence: intron variant.
Genome position (GRCh38, 1-based): chr9:95,508,158, C>T on the plus strand (G>A on the coding strand, the complement: PTCH1 is on the minus strand). VCF-style: chr9-95508158-C-T. GRCh37 (hg19) VCF-style: chr9-98270440-C-T.
Other names: c.199-1559G>A (NM_001083603.3); c.4-1559G>A (NM_001083602.3, NM_001354919.2); c.201+3G>A (NM_001354918.2, NM_000264.3).
Identifiers: ClinVar variation 1353175 (VCV001353175.7), dbSNP rs1394306522, ClinGen allele CA589581276.

ClinVar aggregate classification (germline): Uncertain significance. Review status: criteria provided, multiple submitters, no conflicts (2 of 4 stars). 2 submissions from 2 submitters: Uncertain significance (2). Last evaluated 2024-08-01.

Conditions:
Gorlin syndrome. Also called: Basal cell nevus syndrome; Nevoid Basal Cell Carcinoma Syndrome. Identifiers: Orphanet 377, MedGen C0004779, MONDO:0007187.
Hereditary cancer-predisposing syndrome. Also called: Hereditary Cancer Syndrome; Hereditary neoplastic syndrome; Tumor predisposition; Neoplastic Syndromes, Hereditary. Identifiers: Orphanet 140162, MedGen C0027672, MeSH D009386, MONDO:0015356.

Allele frequency attached by ClinVar (database versions not stated): gnomAD exomes below 0.00001; TOPMed below 0.00001.
gnomAD v4.1: 4 of 1,612,632 alleles (0.00025%); highest among the groups gnomAD compares: East Asian, 0.0022%; no homozygotes.

Submissions (2):

Ambry Genetics
Classification: Uncertain significance for Hereditary cancer-predisposing syndrome. Last evaluated: 2024-08-01. Review status: criteria provided, single submitter. Criteria: Ambry Variant Classification Scheme 2023. Collection method: clinical testing. Allele origin: germline.
Comment: The c.201+3G>A intronic variant results from a G to A substitution 3 nucleotides after coding exon 1 in the PTCH1 gene. This nucleotide position is highly conserved in available vertebrate species. In silico splice site analysis predicts that this alteration will not have any significant effect on splicing. Based on the available evidence, the clinical significance of this variant remains unclear.

Labcorp Genetics (formerly Invitae), Labcorp
Classification: Uncertain significance for Gorlin syndrome. Last evaluated: 2024-07-02. Review status: criteria provided, single submitter. Criteria: Invitae Variant Classification Sherloc (09022015). Collection method: clinical testing. Allele origin: germline.
Comment: This sequence change falls in intron 1 of the PTCH1 gene. It does not directly change the encoded amino acid sequence of the PTCH1 protein. It affects a nucleotide within the consensus splice site. This variant is present in population databases (no rsID available, gnomAD 0.006%). This variant has not been reported in the literature in individuals affected with PTCH1-related conditions. ClinVar contains an entry for this variant (Variation ID: 1353175). Variants that disrupt the consensus splice site are a relatively common cause of aberrant splicing (PMID: 17576681, 9536098). RNA analysis provides insufficient evidence to determine the effect of this variant on PTCH1 splicing (Invitae). In summary, the available evidence is currently insufficient to determine the role of this variant in disease. Therefore, it has been classified as a Variant of Uncertain Significance.

Literature cited by the submitters: PubMed 17576681 (cited by Labcorp Genetics (formerly Invitae), Labcorp); PubMed 9536098 (cited by Labcorp Genetics (formerly Invitae), Labcorp).